The following is an entry in ClinVar:

ClinVar aggregate classification (germline): Uncertain significance. Review status: criteria provided, multiple submitters, no conflicts (2 of 4 stars). 4 submissions from 4 submitters: Uncertain significance (4). Last evaluated 2025-12-15.

Conditions:
Legius syndrome. Identifiers: Orphanet 137605, MedGen C1969623, MONDO:0012669, OMIM 611431. Disease mechanism: loss of function.
Cardiovascular phenotype. Identifiers: MedGen CN230736.

Allele frequency attached by ClinVar (database versions not stated): gnomAD exomes below 0.00001; ExAC 0.00001; gnomAD 0.00001; TOPMed 0.00001.
gnomAD v4.1: 4 of 1,614,062 alleles (0.00025%); highest among the groups gnomAD compares: East Asian, 0.0045%; no homozygotes.

Submissions (4):

Ambry Genetics
Classification: Uncertain significance for Cardiovascular phenotype. Last evaluated: 2025-12-15. Review status: criteria provided, single submitter. Criteria: Ambry Variant Classification Scheme 2023. Collection method: clinical testing. Allele origin: germline.

GeneDx
Classification: Uncertain significance. Last evaluated: 2025-09-02. Review status: criteria provided, single submitter. Criteria: GeneDx Variant Classification Process June 2021. Collection method: clinical testing. Allele origin: germline. Affected: yes.
Comment: Not observed at significant frequency in large population cohorts (gnomAD); In silico analysis suggests that this missense variant does not alter protein structure/function; Has not been previously published as pathogenic or benign to our knowledge

Labcorp Genetics (formerly Invitae), Labcorp
Classification: Uncertain significance for Legius syndrome. Last evaluated: 2025-02-26. Review status: criteria provided, single submitter. Criteria: Invitae Variant Classification Sherloc (09022015). Collection method: clinical testing. Allele origin: germline.
Comment: This sequence change replaces isoleucine, which is neutral and non-polar, with valine, which is neutral and non-polar, at codon 363 of the SPRED1 protein (p.Ile363Val). This variant is present in population databases (rs764768156, gnomAD 0.006%). This variant has not been reported in the literature in individuals affected with SPRED1-related conditions. ClinVar contains an entry for this variant (Variation ID: 1704624). Invitae Evidence Modeling of protein sequence and biophysical properties (such as structural, functional, and spatial information, amino acid conservation, physicochemical variation, residue mobility, and thermodynamic stability) indicates that this missense variant is not expected to disrupt SPRED1 protein function with a negative predictive value of 80%. In summary, the available evidence is currently insufficient to determine the role of this variant in disease. Therefore, it has been classified as a Variant of Uncertain Significance.

Women's Health and Genetics/Laboratory Corporation of America, LabCorp
Classification: Uncertain significance. Last evaluated: 2022-07-30. Review status: criteria provided, single submitter. Criteria: LabCorp Variant Classification Summary - May 2015. Collection method: clinical testing. Allele origin: germline.

NM_152594.3(SPRED1):c.1087A>G (p.Ile363Val)

Gene: SPRED1 (sprouty related EVH1 domain containing 1; plus strand). Cytogenetic location: 15q14.
Variant type: single nucleotide variant.
Coding change: c.1087A>G on transcript NM_152594.3 (MANE Select); coding-DNA position 1087, A replaced by G.
Protein change: p.Ile363Val; replaces isoleucine 363 with valine.
Molecular consequence: missense variant.
Genome position (GRCh38, 1-based): chr15:38,351,416, A>G. VCF-style: chr15-38351416-A-G. GRCh37 (hg19) VCF-style: chr15-38643617-A-G.
Other names: short protein forms I363V.
Identifiers: ClinVar variation 1704624 (VCV001704624.8), dbSNP rs764768156, ClinGen allele CA7470229.